The following is an entry in ClinVar:

ClinVar aggregate classification (germline): not provided (0 of 4 stars; one submission).

Conditions:
Normal pregnancy. Identifiers: MedGen C0232989.

Submission:

Institute of Molecular and Cell Biology, University of Tartu
No classification provided. Condition: Normal pregnancy. Review status: no classification provided. Collection method: case-control. Allele origin: unknown. Affected: yes. Study: Kasak2014.
Comment: The study aimed to determine the contribution of copy number variants in the genetic etiology of normal and complicated pregnancies. The samples represented (i) maternal blood DNA drawn from healthy pregnant women during 1st or 2nd trimester and (ii) maternal and paternal blood DNA drawn at term pregnancy cases representing normal and complicated gestations (severe preeclampsia, PE; gestational diabetes, GD; small-for-gestational age newborn, SGA; large-for-gestational age newborn, LGA). We performed CNV calling based on genome-wide genotyping dataset (Illumina HumanOmniExpress-24-v1 BeadChip) by applying three algorithms, QuantiSNP, GADA (Genome Alteration Detection Algorithm) and CNstream in parallel. The acquired CNV calls were merged with HD-CNV (Hotspot Detector for Copy Number Variants) program and only the CNVs predicted by at least two programs, were considered in subsequent analysis.

Literature cited by the submitters: PubMed 25666259.

NM_001143831.3(GRM5):c.1147+5785_1147+13628del

Gene: GRM5 (glutamate metabotropic receptor 5; minus strand). Cytogenetic location: 11q14.3.
Variant type: Deletion.
Coding change: c.1147+5785_1147+13628del on transcript NM_001143831.3 (MANE Select); bases 5785 to 13628 of the intron after coding-DNA position 1147, 7,844 bases deleted.
Molecular consequence: intron variant.
Genome position (GRCh38, 1-based): chr11:88,639,540-88,647,383, 7,844 bases deleted. GRCh37 (hg19): chr11:88,372,709-88,380,552.
Other names: c.1147+5785_1147+13628del (NM_001384268.1, NM_000842.5).
Identifiers: ClinVar variation 157218 (VCV000157218.2), ClinGen allele CA212307.